The following is an entry in ClinVar:

NM_000053.4(ATP7B):c.2536C>G (p.Leu846Val)

Gene: ATP7B (ATPase copper transporting beta; minus strand). Cytogenetic location: 13q14.3.
Variant type: single nucleotide variant.
Coding change: c.2536C>G on transcript NM_000053.4 (MANE Select); coding-DNA position 2536, C replaced by G.
Protein change: p.Leu846Val; replaces leucine 846 with valine.
Molecular consequence: missense variant. On other transcripts: intron variant (1).
Genome position (GRCh38, 1-based): chr13:51,950,311, G>C on the plus strand (C>G on the coding strand, the complement: ATP7B is on the minus strand). VCF-style: chr13-51950311-G-C. GRCh37 (hg19) VCF-style: chr13-52524447-G-C.
Other names: c.2188C>G, p.Leu730Val (NM_001406543.1); c.1954C>G, p.Leu652Val (NM_001406544.1); c.1888C>G, p.Leu630Val (NM_001406545.1, NM_001406547.1); c.2050C>G, p.Leu684Val (NM_001406546.1, NM_001406541.1, NM_001406542.1 and 1 more transcripts); c.1286-150C>G (NM_001406548.1); c.2284C>G, p.Leu762Val (NM_001406532.1, NM_001406540.1, NM_001406531.1 and 1 more transcripts); c.2302C>G, p.Leu768Val (NM_001406534.1, NM_001406538.1, NM_001330578.2 and 2 more transcripts); c.2536C>G, p.Leu846Val (NM_001406535.1, NM_001406523.1, NM_001406525.1 and 7 more transcripts); and 8 more; short protein forms L630V, L652V, L684V, L703V, L730V, L735V, L736V, L762V.
Identifiers: ClinVar variation 4757604 (VCV004757604.1).

ClinVar aggregate classification (germline): Uncertain significance (1 of 4 stars; one submission).

Conditions:
Wilson disease (WND). Also called: Wilson's disease. Identifiers: Orphanet 905, MedGen C0019202, MONDO:0010200, OMIM 277900. Disease mechanism: loss of function.

Submission:

Color Diagnostics, LLC DBA Color Health
Classification: Uncertain significance for Wilson disease. Last evaluated: 2025-06-30. Review status: criteria provided, single submitter. Criteria: ACMG Guidelines, 2015. Collection method: clinical testing. Allele origin: germline.
Comment: This missense variant replaces leucine with valine at codon 846 of the ATP7B protein. Computational prediction suggests that this variant may not impact protein structure and function. To our knowledge, functional studies have not been reported for this variant. This variant has not been reported in individuals affected with ATP7B-related disorders in the literature. This variant has not been identified in the general population by the Genome Aggregation Database (gnomAD). The available evidence is insufficient to determine the role of this variant in disease conclusively. Therefore, this variant is classified as a Variant of Uncertain Significance.